The following is an entry in ClinVar:

NM_001267550.2(TTN):c.105731C>T (p.Pro35244Leu)

Genes: TTN-AS1 (TTN antisense RNA 1; plus strand), TTN (titin; minus strand), LOC129935183 (ATAC-STARR-seq lymphoblastoid active region 16808; plus strand). Cytogenetic location: 2q31.2.
Variant type: single nucleotide variant.
Coding change: c.105731C>T on transcript NM_001267550.2 (MANE Select); coding-DNA position 105731, C replaced by T.
Protein change: p.Pro35244Leu; replaces proline 35244 with leucine.
Molecular consequence: missense variant.
Genome position (GRCh38, 1-based): chr2:178,530,884, G>A on the plus strand (C>T on the coding strand, the complement: TTN is on the minus strand). VCF-style: chr2-178530884-G-A. GRCh37 (hg19) VCF-style: chr2-179395611-G-A.
Other names: c.100808C>T, p.Pro33603Leu (NM_001256850.1); c.78536C>T, p.Pro26179Leu (NM_003319.4); c.98027C>T, p.Pro32676Leu (NM_133378.4); c.78911C>T, p.Pro26304Leu (NM_133432.3); c.79112C>T, p.Pro26371Leu (NM_133437.4); short protein forms P26304L, P33603L, P26371L, P32676L, P35244L, P26179L.
Identifiers: ClinVar variation 1437278 (VCV001437278.6), dbSNP rs2154133075, ClinGen allele CA349407945.
Genomic context (GRCh38, chr2:178,530,884, plus strand): 5'-ACGGCTTTCGGGTGAGAAGGTTCTGGAGATTTCACTCGTTTTGGAGACTTAACTGCTTCT[G>A]GGGATTTCACCCGAGGCTCTGGGGATTTGACTCTTGGTGGTGATGTCACAGCCTTTTCAG-3'
Protein context (NP_001254479.2, residues 35234-35254): VKSPEPRVKS[Pro35244Leu]EAVKSPKRVK

ClinVar aggregate classification (germline): Uncertain significance (1 of 4 stars; one submission).

Conditions:
Dilated cardiomyopathy 1G (CMD1G). Identifiers: Orphanet 154, MedGen C1858763, MONDO:0011400, OMIM 604145.
Autosomal recessive limb-girdle muscular dystrophy type 2J (LGMDR10). Also called: Limb-girdle muscular dystrophy, type 2J; MUSCULAR DYSTROPHY, LIMB-GIRDLE, AUTOSOMAL RECESSIVE 10. Identifiers: Orphanet 140922, MedGen C1837342, MONDO:0012127, OMIM 608807.

gnomAD v4.1: 2 of 1,613,806 alleles (0.00012%); highest among the groups gnomAD compares: Non-Finnish European, 0.00017%; no homozygotes.

Submission:

Labcorp Genetics (formerly Invitae), Labcorp
Classification: Uncertain significance for Dilated cardiomyopathy 1G; Autosomal recessive limb-girdle muscular dystrophy type 2J. Last evaluated: 2025-01-13. Review status: criteria provided, single submitter. Criteria: Invitae Variant Classification Sherloc (09022015). Collection method: clinical testing. Allele origin: germline.
Comment: This sequence change replaces proline, which is neutral and non-polar, with leucine, which is neutral and non-polar, at codon 35244 of the TTN protein (p.Pro35244Leu). This variant is not present in population databases (gnomAD no frequency). This variant has not been reported in the literature in individuals affected with TTN-related conditions. ClinVar contains an entry for this variant (Variation ID: 1437278). Experimental studies and prediction algorithms are not available or were not evaluated, and the functional significance of this variant is currently unknown. This variant is located in the M band of TTN (PMID: 25589632). Non-truncating variants in this region may be relevant for neuromuscular disorders, but have not been definitively shown to cause cardiomyopathy (PMID: 23975875). In summary, the available evidence is currently insufficient to determine the role of this variant in disease. Therefore, it has been classified as a Variant of Uncertain Significance.

Literature cited by the submitters: PubMed 25589632; PubMed 23975875.